The following is an entry in ClinVar:

ClinVar aggregate classification (germline): Uncertain significance (1 of 4 stars; one submission).

gnomAD v4.1: 1 of 1,613,984 alleles (0.000062%); highest among the groups gnomAD compares: Non-Finnish European, 0.000085%; no homozygotes.

Submission:

GeneDx
Classification: Uncertain significance. Last evaluated: 2024-06-08. Review status: criteria provided, single submitter. Criteria: GeneDx Variant Classification Process June 2021. Collection method: clinical testing. Allele origin: germline. Affected: yes.
Comment: Not observed at significant frequency in large population cohorts (gnomAD); In silico analysis supports that this missense variant has a deleterious effect on protein structure/function; Has not been previously published as pathogenic or benign to our knowledge

NM_052867.4(NALCN):c.146G>A (p.Ser49Asn)

Gene: NALCN (sodium leak channel, non-selective; minus strand). Cytogenetic location: 13q33.1.
Variant type: single nucleotide variant.
Coding change: c.146G>A on transcript NM_052867.4 (MANE Select); coding-DNA position 146, G replaced by A.
Protein change: p.Ser49Asn; replaces serine 49 with asparagine.
Molecular consequence: missense variant.
Genome position (GRCh38, 1-based): chr13:101,395,328, C>T on the plus strand (G>A on the coding strand, the complement: NALCN is on the minus strand). VCF-style: chr13-101395328-C-T. GRCh37 (hg19) VCF-style: chr13-102047679-C-T.
Other names: c.146G>A, p.Ser49Asn (NM_001350748.2, NM_001350749.2, NM_001350750.2 and 1 more transcripts); short protein forms S49N.
Identifiers: ClinVar variation 3384274 (VCV003384274.1).